The following is an entry in ClinVar:

ClinVar aggregate classification (germline): Conflicting classifications of pathogenicity. Review status: criteria provided, conflicting classifications (1 of 4 stars). 2 submissions from 2 submitters: Uncertain significance (1); Likely benign (1). Last evaluated 2026-04-01.

Allele frequency attached by ClinVar (database versions not stated): gnomAD exomes 0.00001.
gnomAD v4.1: 19 of 1,614,014 alleles (0.0012%); highest among the groups gnomAD compares: Admixed American, 0.0017%; no homozygotes.

Submissions (2):

GeneDx
Classification: Uncertain significance. Last evaluated: 2026-04-01. Review status: criteria provided, single submitter. Criteria: GeneDx Variant Classification Process June 2021. Collection method: clinical testing. Allele origin: germline.
Comment: In silico analysis suggests that this variant does not alter splicing; Has not been previously published as pathogenic or benign to our knowledge

Labcorp Genetics (formerly Invitae), Labcorp
Classification: Likely benign. Last evaluated: 2026-01-05. Review status: criteria provided, single submitter. Criteria: Invitae Variant Classification Sherloc (09022015). Collection method: clinical testing. Allele origin: germline.

NM_007103.4(NDUFV1):c.978G>A (p.Leu326=)

Gene: NDUFV1 (NADH:ubiquinone oxidoreductase core subunit V1; plus strand). Cytogenetic location: 11q13.2.
Variant type: single nucleotide variant.
Coding change: c.978G>A on transcript NM_007103.4 (MANE Select); coding-DNA position 978, G replaced by A.
Protein change: p.Leu326=; no amino-acid change (leucine 326 retained).
Molecular consequence: synonymous variant.
Genome position (GRCh38, 1-based): chr11:67,611,467, G>A. VCF-style: chr11-67611467-G-A. GRCh37 (hg19) VCF-style: chr11-67378938-G-A.
Other names: c.951G>A, p.Leu317= (NM_001166102.2); c.978G>A (NM_007103.3).
Identifiers: ClinVar variation 2918989 (VCV002918989.4), dbSNP rs1188731694, ClinGen allele CA475417076.